The following is an entry in ClinVar:

NM_024312.5(GNPTAB):c.204-2A>G

Gene: GNPTAB (N-acetylglucosamine-1-phosphate transferase subunits alpha and beta; minus strand). Cytogenetic location: 12q23.2.
Variant type: single nucleotide variant.
Coding change: c.204-2A>G on transcript NM_024312.5 (MANE Select); the canonical splice acceptor site of the intron before coding-DNA position 204, A replaced by G.
Molecular consequence: splice acceptor variant.
Genome position (GRCh38, 1-based): chr12:101,790,059, T>C on the plus strand (A>G on the coding strand, the complement: GNPTAB is on the minus strand). VCF-style: chr12-101790059-T-C. GRCh37 (hg19) VCF-style: chr12-102183837-T-C.
Identifiers: ClinVar variation 2948330 (VCV002948330.3), dbSNP rs2547972420, ClinGen allele CA386305595.
Genomic context (GRCh38, chr12:101,790,059, plus strand): 5'-CAAGATCTGTGCCATTCACCCAGGTGTAAACAACGTCAATCGGCATGGGCAGACAAAGCC[T>C]AGGGCAAACCAACAAATCCTCCAGCTTAAATGCATTTTTCCAATATATTTGGTAATAAGA-3'

ClinVar aggregate classification (germline): Likely pathogenic (1 of 4 stars; one submission).

Conditions:
Mucolipidosis type II. Also called: ML II ALPHA/BETA; Mucolipidosis 2; ML 2; Inclusion cell disease; Leroy Disease; N-acetylglucosamine 1phosphotransferase deficiency. Identifiers: Orphanet 576, MedGen C2673377, MONDO:0009650, OMIM 252500.
Pseudo-Hurler polydystrophy. Also called: ML III; ML III ALPHA/BETA; Type III Mucolipidosis; ML IIIA; Mucolipidosis III Alpha/Beta; MUCOLIPIDOSIS IIIA. Identifiers: Orphanet 423461, Orphanet 577, MedGen C0033788, MONDO:0018931, OMIM 252600.

Submission:

Labcorp Genetics (formerly Invitae), Labcorp
Classification: Likely pathogenic for Pseudo-Hurler polydystrophy; Mucolipidosis type II. Last evaluated: 2023-05-28. Review status: criteria provided, single submitter. Criteria: Invitae Variant Classification Sherloc (09022015). Collection method: clinical testing. Allele origin: germline.
Comment: This variant has not been reported in the literature in individuals affected with GNPTAB-related conditions. This variant is not present in population databases (gnomAD no frequency). This sequence change affects an acceptor splice site in intron 2 of the GNPTAB gene. It is expected to disrupt RNA splicing. Variants that disrupt the donor or acceptor splice site typically lead to a loss of protein function (PMID: 16199547), and loss-of-function variants in GNPTAB are known to be pathogenic (PMID: 19617216, 25107912). Algorithms developed to predict the effect of sequence changes on RNA splicing suggest that this variant may disrupt the consensus splice site. In summary, the currently available evidence indicates that the variant is pathogenic, but additional data are needed to prove that conclusively. Therefore, this variant has been classified as Likely Pathogenic.

Literature cited by the submitters: PubMed 16199547; PubMed 19617216; PubMed 25107912.